The following is an entry in ClinVar:

ClinVar aggregate classification (germline): Uncertain significance (1 of 4 stars; one submission).

Allele frequency attached by ClinVar (database versions not stated): ExAC 0.00001.
gnomAD v4.1: 3 of 1,614,240 alleles (0.00019%); highest among the groups gnomAD compares: East Asian, 0.0022%; no homozygotes.

Submission:

Labcorp Genetics (formerly Invitae), Labcorp
Classification: Uncertain significance. Last evaluated: 2022-03-13. Review status: criteria provided, single submitter. Criteria: Invitae Variant Classification Sherloc (09022015). Collection method: clinical testing. Allele origin: germline.
Comment: In summary, the available evidence is currently insufficient to determine the role of this variant in disease. Therefore, it has been classified as a Variant of Uncertain Significance. Algorithms developed to predict the effect of missense changes on protein structure and function (SIFT, PolyPhen-2, Align-GVGD) all suggest that this variant is likely to be tolerated. This variant has not been reported in the literature in individuals affected with C1QA-related conditions. This variant is present in population databases (rs746607173, gnomAD 0.006%). This sequence change replaces proline, which is neutral and non-polar, with alanine, which is neutral and non-polar, at codon 125 of the C1QA protein (p.Pro125Ala).

NM_015991.4(C1QA):c.373C>G (p.Pro125Ala)

Gene: C1QA (complement C1q A chain; plus strand). Cytogenetic location: 1p36.12.
Variant type: single nucleotide variant.
Coding change: c.373C>G on transcript NM_015991.4 (MANE Select); coding-DNA position 373, C replaced by G.
Protein change: p.Pro125Ala; replaces proline 125 with alanine.
Molecular consequence: missense variant.
Genome position (GRCh38, 1-based): chr1:22,639,042, C>G. VCF-style: chr1-22639042-C-G. GRCh37 (hg19) VCF-style: chr1-22965535-C-G.
Other names: c.373C>G, p.Pro125Ala (NM_001347465.2, NM_001347466.2); short protein forms P125A.
Identifiers: ClinVar variation 2111164 (VCV002111164.4), dbSNP rs746607173, ClinGen allele CA677771.
Genomic context (GRCh38, chr1:22,639,042, plus strand): 5'-AGCCCAGGAAACATCAAGGACCAGCCGAGGCCAGCCTTCTCCGCCATTCGGCGGAACCCC[C>G]CAATGGGGGGCAACGTGGTCATCTTCGACACGGTCATCACCAACCAGGAAGAACCGTACC-3'
Protein context (NP_057075.1, residues 115-135): PAFSAIRRNP[Pro125Ala]MGGNVVIFDT